The following is an entry in ClinVar:

ClinVar aggregate classification (germline): Benign/Likely benign. Review status: criteria provided, multiple submitters, no conflicts (2 of 4 stars). 3 submissions from 3 submitters: Benign (1); Likely benign (2). Last evaluated 2024-05-22.

Conditions:
Familial cancer of breast. Also called: hereditary breast carcinoma; BREAST CANCER, FAMILIAL; Hereditary breast cancer. Identifiers: Orphanet 227535, MedGen C0346153, MONDO:0016419, OMIM 114480. Disease mechanism: loss of function.
Ataxia-telangiectasia syndrome (AT). Also called: ATAXIA-TELANGIECTASIA, COMPLEMENTATION GROUP A; ATAXIA-TELANGIECTASIA, FRESNO VARIANT; Ataxia-telangiectasia, complementation group E; Ataxia telangiectasia (A-T); LOUIS-BAR SYNDROME; Cerebello-oculocutaneous telangiectasia. Identifiers: Orphanet 100, MedGen C0004135, MONDO:0008840, OMIM 208900.
Hereditary cancer-predisposing syndrome. Also called: Neoplastic Syndromes, Hereditary; Hereditary Cancer Syndrome; Hereditary neoplastic syndrome; Tumor predisposition. Identifiers: Orphanet 140162, MedGen C0027672, MeSH D009386, MONDO:0015356.

Submissions (3):

Myriad Genetics, Inc.
Classification: Benign for Familial cancer of breast. Last evaluated: 2024-05-22. Review status: criteria provided, single submitter. Criteria: Myriad Autosomal Dominant, Autosomal Recessive and X-Linked Classification Criteria (2023). Collection method: clinical testing. Allele origin: unknown.
Comment: This variant is considered benign. This variant is a silent/synonymous amino acid change and it is not expected to impact splicing.

Labcorp Genetics (formerly Invitae), Labcorp
Classification: Likely benign for Ataxia-telangiectasia syndrome. Last evaluated: 2023-12-09. Review status: criteria provided, single submitter. Criteria: Invitae Variant Classification Sherloc (09022015). Collection method: clinical testing. Allele origin: germline.

Ambry Genetics
Classification: Likely benign for Hereditary cancer-predisposing syndrome. Last evaluated: 2019-08-10. Review status: criteria provided, single submitter. Criteria: Ambry Variant Classification Scheme 2023. Collection method: clinical testing. Allele origin: germline.

NM_000051.4(ATM):c.5313A>G (p.Arg1771=)

Gene: ATM (ATM serine/threonine kinase; plus strand). Cytogenetic location: 11q22.3.
Variant type: single nucleotide variant.
Coding change: c.5313A>G on transcript NM_000051.4 (MANE Select); coding-DNA position 5313, A replaced by G.
Protein change: p.Arg1771=; no amino-acid change (arginine 1771 retained).
Molecular consequence: synonymous variant.
Genome position (GRCh38, 1-based): chr11:108,301,783, A>G. VCF-style: chr11-108301783-A-G. GRCh37 (hg19) VCF-style: chr11-108172510-A-G.
Other names: c.5313A>G, p.Arg1771= (NM_001351834.2).
Identifiers: ClinVar variation 825639 (VCV000825639.8), dbSNP rs1591709164, ClinGen allele CA476674836.
Genomic context (GRCh38, chr11:108,301,783, plus strand): 5'-GATTTATAAGATGACAACAGATCCAATGCTGGCCTATCTACAGCCTTTTAGAACATCAAG[A>G]AAAAAGGTCTCTTAAGTAATAAATGTTTATTGAATACCCAGCATATCTAAAACAGTTCTG-3'
Protein context (NP_000042.3, residues 1761-1781): LAYLQPFRTS[Arg1771=]KKFLEVPRFD